The following is an entry in ClinVar:

ClinVar aggregate classification (germline): Likely benign. Review status: criteria provided, multiple submitters, no conflicts (2 of 4 stars). 2 submissions from 2 submitters: Likely benign (2). Last evaluated 2023-10-17.

Allele frequency attached by ClinVar (database versions not stated): gnomAD exomes 0.00001; TOPMed 0.00001; ExAC 0.00002; ESP Exome Variant Server 0.00008.
gnomAD v4.1: 7 of 1,613,962 alleles (0.00043%); highest among the groups gnomAD compares: Non-Finnish European, 0.00051%; no homozygotes.

Submissions (2):

Women's Health and Genetics/Laboratory Corporation of America, LabCorp
Classification: Likely benign. Last evaluated: 2023-10-17. Review status: criteria provided, single submitter. Criteria: LabCorp Variant Classification Summary - May 2015. Collection method: clinical testing. Allele origin: germline.
Comment: Variant summary: LAMA1 c.7453-15C>G alters a non-conserved nucleotide located at a position not widely known to affect splicing. Consensus agreement among computation tools predict no significant impact on normal splicing. However, these predictions have yet to be confirmed by functional studies. The variant allele was found at a frequency of 1.2e-05 in 251068 control chromosomes. The available data on variant occurrences in the general population are insufficient to allow any conclusion about variant significance. To our knowledge, no occurrence of c.7453-15C>G in individuals affected with Ataxia-Intellectual Disability-Oculomotor Apraxia-Cerebellar Cysts Syndrome and no experimental evidence demonstrating its impact on protein function have been reported. One submitter has cited clinical-significance assessments for this variant to ClinVar after 2014 and has classified the variant as likely benign. Based on the evidence outlined above, the variant was classified as likely benign.

Labcorp Genetics (formerly Invitae), Labcorp
Classification: Likely benign. Last evaluated: 2022-08-15. Review status: criteria provided, single submitter. Criteria: Invitae Variant Classification Sherloc (09022015). Collection method: clinical testing. Allele origin: germline.

NM_005559.4(LAMA1):c.7453-15C>G

Gene: LAMA1 (laminin subunit alpha 1; minus strand). Cytogenetic location: 18p11.31.
Variant type: single nucleotide variant.
Coding change: c.7453-15C>G on transcript NM_005559.4 (MANE Select); 15 bases into the intron before coding-DNA position 7453, C replaced by G.
Molecular consequence: intron variant.
Genome position (GRCh38, 1-based): chr18:6,961,774, G>C on the plus strand (C>G on the coding strand, the complement: LAMA1 is on the minus strand). VCF-style: chr18-6961774-G-C. GRCh37 (hg19) VCF-style: chr18-6961773-G-C.
Identifiers: ClinVar variation 1134007 (VCV001134007.8), dbSNP rs370327597, ClinGen allele CA8880882.
Genomic context (GRCh38, chr18:6,961,774, plus strand): 5'-GCAATTCAATGTAGCCGCCTTTCAGGAAGCTAACACTCCGGATGGGCTGGACACAGAGGA[G>C]ATGGAACAGCATGGTGAGTTCCTAGCTGCGGCCAAACCTTCCGTGGGGAGGACACTGCTG-3'